The following is an entry in ClinVar:

NM_001303256.3(MORC2):c.2635C>G (p.Gln879Glu)

Gene: MORC2 (MORC family CW-type zinc finger 2; minus strand). Cytogenetic location: 22q12.2.
Variant type: single nucleotide variant.
Coding change: c.2635C>G on transcript NM_001303256.3 (MANE Select); coding-DNA position 2635, C replaced by G.
Protein change: p.Gln879Glu; replaces glutamine 879 with glutamic acid.
Molecular consequence: missense variant.
Genome position (GRCh38, 1-based): chr22:30,932,657, G>C on the plus strand (C>G on the coding strand, the complement: MORC2 is on the minus strand). VCF-style: chr22-30932657-G-C. GRCh37 (hg19) VCF-style: chr22-31328644-G-C.
Other names: c.2635C>G, p.Gln879Glu (NM_001303257.2); c.2449C>G, p.Gln817Glu (NM_014941.3); short protein forms Q817E, Q879E.
Identifiers: ClinVar variation 1037012 (VCV001037012.9), dbSNP rs1399798893, ClinGen allele CA411231908.

ClinVar aggregate classification (germline): Uncertain significance (1 of 4 stars; one submission).

Conditions:
Charcot-Marie-Tooth disease axonal type 2Z. Also called: CHARCOT-MARIE-TOOTH DISEASE, AXONAL, AUTOSOMAL DOMINANT, TYPE 2Z; CHARCOT-MARIE-TOOTH NEUROPATHY, TYPE 2Z. Identifiers: Orphanet 466768, MedGen C5569025, MONDO:0014736, OMIM 616688.

Allele frequency attached by ClinVar (database versions not stated): gnomAD exomes below 0.00001 and 0.00001.
gnomAD v4.1: 10 of 1,614,172 alleles (0.00062%); highest among the groups gnomAD compares: Non-Finnish European, 0.00085%; no homozygotes.

Submission:

Labcorp Genetics (formerly Invitae), Labcorp
Classification: Uncertain significance for Charcot-Marie-Tooth disease axonal type 2Z. Last evaluated: 2024-02-17. Review status: criteria provided, single submitter. Criteria: Invitae Variant Classification Sherloc (09022015). Collection method: clinical testing. Allele origin: germline.
Comment: This sequence change replaces glutamine, which is neutral and polar, with glutamic acid, which is acidic and polar, at codon 879 of the MORC2 protein (p.Gln879Glu). This variant is present in population databases (no rsID available, gnomAD 0.0009%). This variant has not been reported in the literature in individuals affected with MORC2-related conditions. ClinVar contains an entry for this variant (Variation ID: 1037012). Advanced modeling of protein sequence and biophysical properties (such as structural, functional, and spatial information, amino acid conservation, physicochemical variation, residue mobility, and thermodynamic stability) performed at Invitae indicates that this missense variant is not expected to disrupt MORC2 protein function with a negative predictive value of 95%. In summary, the available evidence is currently insufficient to determine the role of this variant in disease. Therefore, it has been classified as a Variant of Uncertain Significance.